The following is an entry in ClinVar:

NM_003036.4(SKI):c.107C>A (p.Ala36Asp)

Gene: SKI (SKI proto-oncogene; plus strand). Cytogenetic location: 1p36.33.
Variant type: single nucleotide variant.
Coding change: c.107C>A on transcript NM_003036.4 (MANE Select); coding-DNA position 107, C replaced by A.
Protein change: p.Ala36Asp; replaces alanine 36 with aspartic acid.
Molecular consequence: missense variant.
Genome position (GRCh38, 1-based): chr1:2,228,873, C>A. VCF-style: chr1-2228873-C-A. GRCh37 (hg19) VCF-style: chr1-2160312-C-A.
Other names: short protein forms A36D.
Identifiers: ClinVar variation 4799789 (VCV004799789.1).

ClinVar aggregate classification (germline): Uncertain significance (1 of 4 stars; one submission).

Conditions:
Shprintzen-Goldberg syndrome (SGS). Also called: Marfanoid disorder with craniosynostosis type 1; Marfanoid craniosynostosis syndrome; Shprintzen-Goldberg marfanoid syndrome; SHPRINTZEN-GOLDBERG CRANIOSYNOSTOSIS SYNDROME; CRANIOSYNOSTOSIS WITH ARACHNODACTYLY AND ABDOMINAL HERNIAS. Identifiers: Orphanet 2462, MedGen C1321551, MONDO:0008426, OMIM 182212.

Submission:

Labcorp Genetics (formerly Invitae), Labcorp
Classification: Uncertain significance for Shprintzen-Goldberg syndrome. Last evaluated: 2025-06-29. Review status: criteria provided, single submitter. Criteria: Invitae Variant Classification Sherloc (09022015). Collection method: clinical testing. Allele origin: germline.
Comment: This sequence change replaces alanine, which is neutral and non-polar, with aspartic acid, which is acidic and polar, at codon 36 of the SKI protein (p.Ala36Asp). This variant is not present in population databases (gnomAD no frequency). This variant has not been reported in the literature in individuals affected with SKI-related conditions. Invitae Evidence Modeling of protein sequence and biophysical properties (such as structural, functional, and spatial information, amino acid conservation, physicochemical variation, residue mobility, and thermodynamic stability) has been performed for this missense variant. However, the output from this modeling did not meet the statistical confidence thresholds required to predict the impact of this variant on SKI protein function. In summary, the available evidence is currently insufficient to determine the role of this variant in disease. Therefore, it has been classified as a Variant of Uncertain Significance.